The following is an entry in ClinVar:

NM_000088.4(COL1A1):c.773C>G (p.Thr258Arg)

Genes: COL1A1 (collagen type I alpha 1 chain; minus strand), LOC126862586 (CDK7 strongly-dependent group 2 enhancer GRCh37_chr17:48273702-48274901; plus strand). Cytogenetic location: 17q21.33.
Variant type: single nucleotide variant.
Coding change: c.773C>G on transcript NM_000088.4 (MANE Select); coding-DNA position 773, C replaced by G.
Protein change: p.Thr258Arg; replaces threonine 258 with arginine.
Molecular consequence: missense variant.
Genome position (GRCh38, 1-based): chr17:50,197,041, G>C on the plus strand (C>G on the coding strand, the complement: COL1A1 is on the minus strand). VCF-style: chr17-50197041-G-C. GRCh37 (hg19) VCF-style: chr17-48274402-G-C.
Other names: short protein forms T258R.
Identifiers: ClinVar variation 1760387 (VCV001760387.2), dbSNP rs2509240904, ClinGen allele CA400223864.

ClinVar aggregate classification (germline): Uncertain significance (1 of 4 stars; one submission).

Conditions:
Cardiovascular phenotype. Identifiers: MedGen CN230736.

Submission:

Ambry Genetics
Classification: Uncertain significance for Cardiovascular phenotype. Last evaluated: 2020-06-24. Review status: criteria provided, single submitter. Criteria: Ambry Variant Classification Scheme 2023. Collection method: clinical testing. Allele origin: germline.
Comment: The p.T258R variant (also known as c.773C>G), located in coding exon 11 of the COL1A1 gene, results from a C to G substitution at nucleotide position 773. The threonine at codon 258 is replaced by arginine, an amino acid with similar properties. This amino acid position is highly conserved in available vertebrate species. In addition, this alteration is predicted to be deleterious by in silico analysis. Since supporting evidence is limited at this time, the clinical significance of this alteration remains unclear.